The following is an entry in ClinVar:

ClinVar aggregate classification (germline): Uncertain significance. Review status: criteria provided, single submitter (1 of 4 stars). 2 submissions from 2 submitters: Uncertain significance (1). 1 of the submissions does not count toward it. Last evaluated 2021-09-01.

Conditions:
Meniere disease. Also called: Ménière's disease. Identifiers: MedGen C0025281, MONDO:0007972, OMIM 156000.

Allele frequency attached by ClinVar (database versions not stated): gnomAD exomes 0.00001 and 0.00003; gnomAD 0.00003; TOPMed 0.00004; ExAC 0.00006; ESP Exome Variant Server 0.00008.
gnomAD v4.1: 20 of 1,614,196 alleles (0.0012%); highest among the groups gnomAD compares: South Asian, 0.0088%; no homozygotes.

Submissions (2):

Labcorp Genetics (formerly Invitae), Labcorp
Classification: Uncertain significance. Last evaluated: 2021-09-01. Review status: criteria provided, single submitter. Criteria: Invitae Variant Classification Sherloc (09022015). Collection method: clinical testing. Allele origin: germline.
Comment: This sequence change replaces tyrosine with cysteine at codon 1003 of the CAD protein (p.Tyr1003Cys). The tyrosine residue is highly conserved and there is a large physicochemical difference between tyrosine and cysteine. This variant is present in population databases (rs367833212, ExAC 0.02%). This variant has not been reported in the literature in individuals affected with CAD-related conditions. Algorithms developed to predict the effect of missense changes on protein structure and function (SIFT, PolyPhen-2, Align-GVGD) all suggest that this variant is likely to be disruptive. Algorithms developed to predict the effect of sequence changes on RNA splicing suggest that this variant may create or strengthen a splice site. In summary, the available evidence is currently insufficient to determine the role of this variant in disease. Therefore, it has been classified as a Variant of Uncertain Significance.

Center for Computational Biology & Bioinformatics, University of California, San Diego
Classification: Uncertain significance for Meniere disease. Last evaluated: 2024-06-03. Review status: no assertion criteria provided. Collection method: research. Allele origin: germline. Affected: yes. Not counted in ClinVar's aggregate classification.

NM_004341.5(CAD):c.3008A>G (p.Tyr1003Cys)

Gene: CAD (carbamoyl-phosphate synthetase 2, aspartate transcarbamylase, and dihydroorotase; plus strand). Cytogenetic location: 2p23.3.
Variant type: single nucleotide variant.
Coding change: c.3008A>G on transcript NM_004341.5 (MANE Select); coding-DNA position 3008, A replaced by G.
Protein change: p.Tyr1003Cys; replaces tyrosine 1003 with cysteine.
Molecular consequence: missense variant.
Genome position (GRCh38, 1-based): chr2:27,233,328, A>G. VCF-style: chr2-27233328-A-G. GRCh37 (hg19) VCF-style: chr2-27456196-A-G.
Other names: c.2819A>G, p.Tyr940Cys (NM_001306079.2); short protein forms Y1003C, Y940C.
Identifiers: ClinVar variation 1418938 (VCV001418938.6), dbSNP rs367833212, ClinGen allele CA1573185.